The following is an entry in ClinVar:

NM_006236.3(POU3F3):c.183C>A (p.Gly61=)

Gene: POU3F3 (POU class 3 homeobox 3; plus strand). Cytogenetic location: 2q12.1.
Variant type: single nucleotide variant.
Coding change: c.183C>A on transcript NM_006236.3 (MANE Select); coding-DNA position 183, C replaced by A.
Protein change: p.Gly61=; no amino-acid change (glycine 61 retained).
Molecular consequence: synonymous variant.
Genome position (GRCh38, 1-based): chr2:104,855,693, C>A. VCF-style: chr2-104855693-C-A. GRCh37 (hg19) VCF-style: chr2-105472151-C-A.
Other names: c.183C>A, p.Gly61= (NM_001433704.1).
Identifiers: ClinVar variation 4822060 (VCV004822060.4).
Genomic context (GRCh38, chr2:104,855,693, plus strand): 5'-GGGCGGCGCAGGGGGCGGGGGCGGCGGCATGCAGCCGGGCAGCGCCGCCGTGACCTCGGG[C>A]GCCTACCGGGGGGACCCGTCCTCTGTCAAGATGGTCCAGAGCGACTTCATGCAGGGGGCC-3'
Protein context (NP_006227.1, residues 51-71): MQPGSAAVTS[Gly61=]AYRGDPSSVK

ClinVar aggregate classification (germline): Likely benign (1 of 4 stars; one submission).

gnomAD v4.1: 5 of 1,203,404 alleles (0.00042%); highest among the groups gnomAD compares: South Asian, 0.0033%; no homozygotes.

Submission:

CeGaT Center for Human Genetics Tuebingen
Classification: Likely benign. Last evaluated: 2026-02-01. Review status: criteria provided, single submitter. Criteria: CeGaT Center For Human Genetics Tuebingen Variant Classification Criteria Version 2. Collection method: clinical testing. Allele origin: germline. Affected: yes. Observed: 1 variant allele.
Comment: POU3F3: BP4, BP7